The following is an entry in ClinVar:

NM_021027.3(UGT1A9):c.196C>T (p.Leu66=)

Genes: UGT1A9 (UDP glucuronosyltransferase family 1 member A9; plus strand), UGT1A (UDP glucuronosyltransferase family 1 member A complex locus; plus strand), UGT1A10 (UDP glucuronosyltransferase family 1 member A10; plus strand), UGT1A8 (UDP glucuronosyltransferase family 1 member A8; plus strand). Cytogenetic location: 2q37.1.
Variant type: single nucleotide variant.
Coding change: c.196C>T on transcript NM_021027.3 (MANE Select); coding-DNA position 196, C replaced by T.
Protein change: p.Leu66=; no amino-acid change (leucine 66 retained).
Molecular consequence: synonymous variant. On other transcripts: intron variant (2).
Genome position (GRCh38, 1-based): chr2:233,672,130, C>T. VCF-style: chr2-233672130-C-T. GRCh37 (hg19) VCF-style: chr2-234580776-C-T.
Other names: c.855+53568C>T (NM_019076.5); c.855+34753C>T (NM_019075.4).
Identifiers: ClinVar variation 3055972 (VCV003055972.2), dbSNP rs111722751, ClinGen allele CA2177979.
Genomic context (GRCh38, chr2:233,672,130, plus strand): 5'-GAGAAACTCATTCTCAGGGGGCATGAGGTGGTTGTAGTCATGCCAGAGGTGAGTTGGCAA[C>T]TGGGAAGATCACTGAATTGCACAGTGAAGACTTATTCAACTTCATATACCCTGGAGGATC-3'
Protein context (NP_066307.1, residues 56-76): VVVMPEVSWQ[Leu66=]GRSLNCTVKT

ClinVar aggregate classification (germline): Benign (0 of 4 stars; one submission).

Conditions:
UGT1A9-related disorder. Also called: UGT1A9-related condition.

Allele frequency attached by ClinVar (database versions not stated): gnomAD exomes 0.00061; ExAC 0.00206; gnomAD 0.00621; 1000 Genomes Project 30x 0.00625; 1000 Genomes Project 0.00659; TOPMed 0.00698; ESP Exome Variant Server 0.00753.
gnomAD v4.1: 1,888 of 1,614,174 alleles (0.12%); highest among the groups gnomAD compares: African/African-American, 2.2%; 26 homozygotes.

Submission:

PreventionGenetics, part of Exact Sciences
Classification: Benign for UGT1A9-related condition. Last evaluated: 2019-11-25. Review status: no assertion criteria provided. Collection method: clinical testing. Allele origin: germline.
Comment: This variant is classified as benign based on ACMG/AMP sequence variant interpretation guidelines (Richards et al. 2015 PMID: 25741868, with internal and published modifications).